The following is an entry in ClinVar:

NM_001244008.2(KIF1A):c.2235C>T (p.Ala745=)

Gene: KIF1A (kinesin family member 1A; minus strand). Cytogenetic location: 2q37.3.
Variant type: single nucleotide variant.
Coding change: c.2235C>T on transcript NM_001244008.2 (MANE Select); coding-DNA position 2235, C replaced by T.
Protein change: p.Ala745=; no amino-acid change (alanine 745 retained).
Molecular consequence: synonymous variant.
Genome position (GRCh38, 1-based): chr2:240,761,259, G>A on the plus strand (C>T on the coding strand, the complement: KIF1A is on the minus strand). VCF-style: chr2-240761259-G-A. GRCh37 (hg19) VCF-style: chr2-241700676-G-A.
Other names: p.A736A:GCC>GCT; p.Ala736=; c.2235C>T, p.Ala745= (NM_001320705.2, NM_001330289.2, NM_001379638.1); c.2310C>T, p.Ala770= (NM_001330290.2, NM_001379631.1, NM_001379634.1 and 2 more transcripts); c.2208C>T, p.Ala736= (NM_001379632.1, NM_001379633.1, NM_001379636.1 and 10 more transcripts); c.2283C>T, p.Ala761= (NM_001379637.1, NM_001379648.1); c.2208C>T (NM_004321.7).
Identifiers: ClinVar variation 129385 (VCV000129385.29), dbSNP rs35945835, ClinGen allele CA153351.

ClinVar aggregate classification (germline): Benign. Review status: criteria provided, multiple submitters, no conflicts (2 of 4 stars). 9 submissions from 9 submitters: Benign (8). 1 of the submissions does not count toward it. Last evaluated 2026-02-04.

Conditions:
Inborn genetic diseases. Identifiers: MedGen C0950123, MeSH D030342.
Hereditary spastic paraplegia 30. Identifiers: Orphanet 101010, MedGen C5235139, MONDO:0012476.
Neuropathy, hereditary sensory, type 2C. Also called: Hereditary sensory and autonomic neuropathy type IIC; KIF1A-Related HSAN2 (HSAN2C). Identifiers: Orphanet 970, MedGen C3280168, MONDO:0013634, OMIM 614213.
Intellectual disability, autosomal dominant 9 (NESCAVS). Also called: NESCAV SYNDROME; KIF1A-Related Neurodevelopmental Disorder. Identifiers: Orphanet 662367, MedGen C5393830, MONDO:0013656, OMIM 614255.
Hereditary spastic paraplegia. Also called: Familial spastic paraparesis. Identifiers: Orphanet 685, MedGen C0037773, MONDO:0019064. Disease mechanism: loss of function.

Allele frequency attached by ClinVar (database versions not stated): 1000 Genomes Project 0.01897; 1000 Genomes Project 30x 0.01936; gnomAD 0.03338 and 0.03379; TOPMed 0.03562; gnomAD exomes 0.03723 and 0.04418; ESP Exome Variant Server 0.03793; ExAC 0.03808.
gnomAD v4.1: 69,572 of 1,613,412 alleles (4.3%); highest among the groups gnomAD compares: Middle Eastern, 10%; 1,766 homozygotes.

Submissions (9):

Labcorp Genetics (formerly Invitae), Labcorp
Classification: Benign for Hereditary spastic paraplegia 30; Neuropathy, hereditary sensory, type 2C; Intellectual disability, autosomal dominant 9. Last evaluated: 2026-02-04. Review status: criteria provided, single submitter. Criteria: Invitae Variant Classification Sherloc (09022015). Collection method: clinical testing. Allele origin: germline.

ARUP Laboratories, Molecular Genetics and Genomics, ARUP Laboratories
Classification: Benign. Last evaluated: 2025-07-28. Review status: criteria provided, single submitter. Criteria: ARUP Molecular Germline Variant Investigation Process 2024. Collection method: clinical testing. Allele origin: germline.

Genome Diagnostics Laboratory, The Hospital for Sick Children
Classification: Benign for Hereditary spastic paraplegia. Last evaluated: 2021-12-18. Review status: criteria provided, single submitter. Criteria: ACMG Guidelines, 2015. Collection method: clinical testing. Allele origin: germline. Affected: yes.

Illumina Laboratory Services, Illumina
Classification: Benign for Spastic paraplegia 30A, autosomal dominant. Last evaluated: 2018-01-12. Review status: criteria provided, single submitter. Criteria: ICSL Variant Classification Criteria 13 December 2019. Collection method: clinical testing. Allele origin: germline.
Comment: This variant was observed in the ICSL laboratory as part of a predisposition screen in an ostensibly healthy population. It had not been previously curated by ICSL or reported in the Human Gene Mutation Database (HGMD: prior to June 1st, 2018), and was therefore a candidate for classification through an automated scoring system. Utilizing variant allele frequency, disease prevalence and penetrance estimates, and inheritance mode, an automated score was calculated to assess if this variant is too frequent to cause the disease. Based on the score and internal cut-off values, a variant classified as benign is not then subjected to further curation. The score for this variant resulted in a classification of benign for this disease.

Mayo Clinic Laboratories, Mayo Clinic
Classification: Benign. Last evaluated: 2016-04-21. Review status: criteria provided, single submitter. Criteria: ACMG Guidelines, 2015. Collection method: clinical testing. Allele origin: germline. Observed: 189 variant alleles.

Ambry Genetics
Classification: Benign for Inborn genetic diseases. Last evaluated: 2016-03-16. Review status: criteria provided, single submitter. Criteria: Ambry Variant Classification Scheme 2023. Collection method: clinical testing. Allele origin: germline.

GeneDx
Classification: Benign. Last evaluated: 2014-04-17. Review status: criteria provided, single submitter. Criteria: GeneDx Variant Classification (06012015). Collection method: clinical testing. Allele origin: germline. Affected: yes.
Comment: This variant is considered likely benign or benign based on one or more of the following criteria: it is a conservative change, it occurs at a poorly conserved position in the protein, it is predicted to be benign by multiple in silico algorithms, and/or has population frequency not consistent with disease.

Breakthrough Genomics
Classification: Benign. Review status: criteria provided, single submitter. Criteria: ACMG Guidelines, 2015. Collection method: not provided. Allele origin: germline. Inheritance: Autosomal recessive inheritance. Affected: yes.

Genetic Services Laboratory, University of Chicago
Classification: Likely benign for AllHighlyPenetrant. Review status: no assertion criteria provided. Collection method: clinical testing. Allele origin: germline. Not counted in ClinVar's aggregate classification.
Comment: Likely benign based on allele frequency in 1000 Genomes Project or ESP global frequency and its presence in a patient with a rare or unrelated disease phenotype. NOT Sanger confirmed.